The following is an entry in ClinVar:

ClinVar aggregate classification (germline): Benign. Review status: criteria provided, multiple submitters, no conflicts (2 of 4 stars). 3 submissions from 3 submitters: Benign (3). Last evaluated 2026-09-01.

Allele frequency attached by ClinVar (database versions not stated): ESP Exome Variant Server 0.00071; TOPMed 0.00209; gnomAD exomes 0.00384; 1000 Genomes Project 0.00399; 1000 Genomes Project 30x 0.00437; ExAC 0.00458.
gnomAD v4.1: 2,333 of 1,524,688 alleles (0.15%); highest among the groups gnomAD compares: Admixed American, 1.2%; 16 homozygotes.

Submissions (3):

CeGaT Center for Human Genetics Tuebingen
Classification: Benign. Last evaluated: 2026-09-01. Review status: criteria provided, single submitter. Criteria: CeGaT Center For Human Genetics Tuebingen Variant Classification Criteria Version 2. Collection method: clinical testing. Allele origin: germline. Affected: yes. Observed: 17 variant alleles.
Comment: ZSCAN10: BP4, BP7, BS1, BS2

Labcorp Genetics (formerly Invitae), Labcorp
Classification: Benign. Last evaluated: 2017-11-30. Review status: criteria provided, single submitter. Criteria: Invitae Variant Classification Sherloc (09022015). Collection method: clinical testing. Allele origin: germline.

Breakthrough Genomics
Classification: Benign. Review status: criteria provided, single submitter. Criteria: ACMG Guidelines, 2015. Collection method: not provided. Allele origin: germline. Inheritance: Unknown mechanism. Affected: yes.

NM_032805.3(ZSCAN10):c.120C>G (p.Pro40=)

Gene: ZSCAN10 (zinc finger and SCAN domain containing 10; minus strand). Cytogenetic location: 16p13.3.
Variant type: single nucleotide variant.
Coding change: c.120C>G on transcript NM_032805.3 (MANE Select); coding-DNA position 120, C replaced by G.
Protein change: p.Pro40=; no amino-acid change (proline 40 retained).
Molecular consequence: synonymous variant. On other transcripts: 5 prime UTR variant (2), intron variant (2).
Genome position (GRCh38, 1-based): chr16:3,092,818, G>C on the plus strand (C>G on the coding strand, the complement: ZSCAN10 is on the minus strand). VCF-style: chr16-3092818-G-C. GRCh37 (hg19) VCF-style: chr16-3142819-G-C.
Other names: c.-24C>G (NM_001282416.2, NM_001365272.1); c.-518-990C>G (NM_001365273.1); c.-786-502C>G (NM_001282415.2).
Identifiers: ClinVar variation 779277 (VCV000779277.11), dbSNP rs138053638, ClinGen allele CA7857835.